The following is an entry in ClinVar:

NM_000444.6(PHEX):c.1736G>A (p.Gly579Glu)

Genes: PHEX (phosphate regulating endopeptidase X-linked; plus strand), PTCHD1-AS (PTCHD1 and PHEX antisense RNA; minus strand). Cytogenetic location: Xp22.11.
Variant type: single nucleotide variant.
Coding change: c.1736G>A on transcript NM_000444.6 (MANE Select); coding-DNA position 1736, G replaced by A.
Protein change: p.Gly579Glu; replaces glycine 579 with glutamic acid.
Molecular consequence: missense variant.
Genome position (GRCh38, 1-based): chrX:22,219,071, G>A. VCF-style: chrX-22219071-G-A. GRCh37 (hg19) VCF-style: chrX-22237188-G-A.
Other names: c.1736G>A, p.Gly579Glu (NM_001282754.2); short protein forms G579E.
Identifiers: ClinVar variation 378359 (VCV000378359.6), dbSNP rs1057517980, ClinGen allele CA16608397.
Genomic context (GRCh38, chrX:22,219,071, plus strand): 5'-TCCAAATTATGTATTAATGCCATAGATCTCTGAGTTATGGTGCTATAGGAGTAATTGTCG[G>A]ACATGAATTTACACATGGATTTGATAATAATGGTAAGTACCGGTTCATTTTATAAGCTGC-3'
Protein context (NP_000435.3, residues 569-589): LSYGAIGVIV[Gly579Glu]HEFTHGFDNN

ClinVar aggregate classification (germline): Likely pathogenic. Review status: criteria provided, multiple submitters, no conflicts (2 of 4 stars). 3 submissions from 3 submitters: Likely pathogenic (3). Last evaluated 2022-11-14.

Conditions:
PHEX-related disorder. Also called: PHEX-related condition.

Submissions (3):

Labcorp Genetics (formerly Invitae), Labcorp
Classification: Likely pathogenic. Last evaluated: 2022-11-14. Review status: criteria provided, single submitter. Criteria: Invitae Variant Classification Sherloc (09022015). Collection method: clinical testing. Allele origin: germline.
Comment: This missense change has been observed in individual(s) with clinical features of hypophosphatemia (Invitae). ClinVar contains an entry for this variant (Variation ID: 378359). Advanced modeling of protein sequence and biophysical properties (such as structural, functional, and spatial information, amino acid conservation, physicochemical variation, residue mobility, and thermodynamic stability) performed at Invitae indicates that this missense variant is expected to disrupt PHEX protein function. This variant disrupts the p.Gly579 amino acid residue in PHEX. Other variant(s) that disrupt this residue have been determined to be pathogenic (PMID: 9097956, 9199930, 11468271, 18625346, 29858904). This suggests that this residue is clinically significant, and that variants that disrupt this residue are likely to be disease-causing. In summary, the currently available evidence indicates that the variant is pathogenic, but additional data are needed to prove that conclusively. Therefore, this variant has been classified as Likely Pathogenic. This variant is not present in population databases (gnomAD no frequency). This sequence change replaces glycine, which is neutral and non-polar, with glutamic acid, which is acidic and polar, at codon 579 of the PHEX protein (p.Gly579Glu).

Blueprint Genetics
Classification: Likely pathogenic for PHEX-related disorders. Last evaluated: 2018-06-26. Review status: criteria provided, single submitter. Criteria: ACMG Guidelines, 2015. Collection method: clinical testing. Allele origin: germline. Affected: yes. Observed: 1 variant allele.

GeneDx
Classification: Likely pathogenic. Last evaluated: 2016-12-20. Review status: criteria provided, single submitter. Criteria: GeneDx Variant Classification (06012015). Collection method: clinical testing. Allele origin: germline. Affected: yes.
Comment: A novel G579E variant that is likely pathogenic was identified in the PHEX gene. It has not been published as a pathogenic variant, nor has it been reported as a benign variant to our knowledge. The variant was not observed in approximately 6,500 individuals of European and African American ancestry in the NHLBI Exome Sequencing Project, indicating it is not a common benign variant in these populations. G579E is a non-conservative amino acid substitution, which is likely to impact secondary protein structure as these residues differ in polarity, charge, size and/or other properties. This substitution occurs at a position that is conserved across species, and in silico analysis predicts this variant is probably damaging to the protein structure/function. Missense variants in the same residue (G579R/V) and in nearby residues (H580P, F582S, H584P) have been reported in the Human Gene Mutation Database in association with X-linked hypophosphatemic rickets (Stenson et al., 2014), supporting the functional importance of this region of the protein. Therefore, this variant is likely pathogenic; however, the possibility that it is benign cannot be excluded.

Literature cited by the submitters: PubMed 9097956 (cited by Labcorp Genetics (formerly Invitae), Labcorp); PubMed 9199930 (cited by Labcorp Genetics (formerly Invitae), Labcorp); PubMed 11468271 (cited by Labcorp Genetics (formerly Invitae), Labcorp); PubMed 18625346 (cited by Labcorp Genetics (formerly Invitae), Labcorp); PubMed 29858904 (cited by Labcorp Genetics (formerly Invitae), Labcorp).